The following is an entry in ClinVar:

ClinVar aggregate classification (germline): Likely benign (1 of 4 stars; one submission).

Allele frequency attached by ClinVar (database versions not stated): gnomAD 0.00032; TOPMed 0.00032; 1000 Genomes Project 30x 0.00047.
gnomAD v4.1: 57 of 397,912 alleles (0.014%); highest among the groups gnomAD compares: African/African-American, 0.11%; no homozygotes.

Submission:

Laboratory for Molecular Medicine, Mass General Brigham Personalized Medicine
Classification: Likely benign. Last evaluated: 2018-04-09. Review status: criteria provided, single submitter. Criteria: LMM Criteria. Collection method: clinical testing. Allele origin: germline. Observed: 2 variant alleles.
Comment: proposed classification - variant undergoing re-assessment, contact laboratory

NM_002880.4(RAF1):c.-59C>A

Gene: RAF1 (Raf-1 proto-oncogene, serine/threonine kinase; minus strand). Cytogenetic location: 3p25.2.
Variant type: single nucleotide variant.
Coding change: c.-59C>A on transcript NM_002880.4 (MANE Select); 59 bases upstream of the start codon, C replaced by A.
Molecular consequence: 5 prime UTR variant. On other transcripts: non-coding transcript variant (3).
Genome position (GRCh38, 1-based): chr3:12,663,845, G>T on the plus strand (C>A on the coding strand, the complement: RAF1 is on the minus strand). VCF-style: chr3-12663845-G-T. GRCh37 (hg19) VCF-style: chr3-12705344-G-T.
Other names: c.-59C>A (NM_001354689.3, NM_001354693.3); c.-282C>A (NM_001354691.3); c.-189C>A (NM_001354692.3, NM_001354694.3, NM_001354695.3).
Identifiers: ClinVar variation 165013 (VCV000165013.5), dbSNP rs201603517, ClinGen allele CA177686.